The following is an entry in ClinVar:

ClinVar aggregate classification (germline): Pathogenic/Likely pathogenic. Review status: criteria provided, multiple submitters, no conflicts (2 of 4 stars). 2 submissions from 2 submitters: Pathogenic (1); Likely pathogenic (1). Last evaluated 2025-05-02.

Conditions:
Peutz-Jeghers syndrome (PJS). Also called: Peutz-Jeghers polyposis; Periorificial lentiginosis syndrome; POLYPOSIS, HAMARTOMATOUS INTESTINAL; POLYPS-AND-SPOTS SYNDROME. Identifiers: Orphanet 2869, MedGen C0031269, MeSH D010580, MONDO:0008280, OMIM 175200.
Hereditary cancer-predisposing syndrome. Also called: Hereditary neoplastic syndrome; Hereditary Cancer Syndrome; Neoplastic Syndromes, Hereditary; Tumor predisposition. Identifiers: Orphanet 140162, MedGen C0027672, MeSH D009386, MONDO:0015356.

Allele frequency attached by ClinVar (database versions not stated): gnomAD exomes below 0.00001.
gnomAD v4.1: 1 of 1,570,280 alleles (0.000064%); highest among the groups gnomAD compares: Non-Finnish European, 0.000086%; no homozygotes.

Submissions (2):

Ambry Genetics
Classification: Likely pathogenic for Hereditary cancer-predisposing syndrome. Last evaluated: 2025-05-02. Review status: criteria provided, single submitter. Criteria: Ambry Variant Classification Scheme 2023. Collection method: clinical testing. Allele origin: germline.
Comment: The p.H306Y variant (also known as c.916C>T), located in coding exon 7 of the STK11 gene, results from a C to T substitution at nucleotide position 916. The histidine at codon 306 is replaced by tyrosine, an amino acid with similar properties. This variant was reported in individual(s) with features consistent with Peutz-Jeghers syndrome (Boardman LA et al. Hum Mutat, 2000;16:23-30; Wang Z et al. Hum Mutat, 2014 Jul;35:851-8; Ambry internal data). This variant is considered to be rare based on population cohorts in the Genome Aggregation Database (gnomAD). This amino acid position is highly conserved in available vertebrate species. In addition, this alteration is predicted to be deleterious by in silico analysis. Based on the majority of available evidence to date, this variant is likely to be pathogenic.

Labcorp Genetics (formerly Invitae), Labcorp
Classification: Pathogenic for Peutz-Jeghers syndrome. Last evaluated: 2023-02-15. Review status: criteria provided, single submitter. Criteria: Invitae Variant Classification Sherloc (09022015). Collection method: clinical testing. Allele origin: germline.
Comment: This variant is not present in population databases (gnomAD no frequency). This sequence change replaces histidine, which is basic and polar, with tyrosine, which is neutral and polar, at codon 306 of the STK11 protein (p.His306Tyr). This missense change has been observed in individuals with Peutz-Jeghers syndrome (PJS) (PMID: 10874301, 24652667; Invitae). For these reasons, this variant has been classified as Pathogenic. Advanced modeling of protein sequence and biophysical properties (such as structural, functional, and spatial information, amino acid conservation, physicochemical variation, residue mobility, and thermodynamic stability) performed at Invitae indicates that this missense variant is expected to disrupt STK11 protein function. ClinVar contains an entry for this variant (Variation ID: 1370938). This variant is also known as H272Y.

Literature cited by the submitters: PubMed 10874301 (cited by Ambry Genetics and Labcorp Genetics (formerly Invitae), Labcorp); PubMed 24652667 (cited by Ambry Genetics and Labcorp Genetics (formerly Invitae), Labcorp).

NM_000455.5(STK11):c.916C>T (p.His306Tyr)

Gene: STK11 (serine/threonine kinase 11; plus strand). Cytogenetic location: 19p13.3.
Variant type: single nucleotide variant.
Coding change: c.916C>T on transcript NM_000455.5 (MANE Select); coding-DNA position 916, C replaced by T.
Protein change: p.His306Tyr; replaces histidine 306 with tyrosine.
Molecular consequence: missense variant.
Genome position (GRCh38, 1-based): chr19:1,222,002, C>T. VCF-style: chr19-1222002-C-T. GRCh37 (hg19) VCF-style: chr19-1222001-C-T.
Other names: c.916C>T (NM_000455.4); short protein forms H306Y.
Identifiers: ClinVar variation 1370938 (VCV001370938.9), dbSNP rs2145428869, ClinGen allele CA402951325.